The following is an entry in ClinVar:

NM_000535.7(PMS2):c.2563A>G (p.Asn855Asp)

Gene: PMS2 (PMS1 homolog 2, mismatch repair system component; minus strand). Cytogenetic location: 7p22.1.
Variant type: single nucleotide variant.
Coding change: c.2563A>G on transcript NM_000535.7 (MANE Select); coding-DNA position 2563, A replaced by G.
Protein change: p.Asn855Asp; replaces asparagine 855 with aspartic acid.
Molecular consequence: missense variant. On other transcripts: non-coding transcript variant (1).
Genome position (GRCh38, 1-based): chr7:5,973,425, T>C on the plus strand (A>G on the coding strand, the complement: PMS2 is on the minus strand). VCF-style: chr7-5973425-T-C. GRCh37 (hg19) VCF-style: chr7-6013056-T-C.
Other names: c.2158A>G, p.Asn720Asp (NM_001322003.2, NM_001322004.2, NM_001322005.2); c.2407A>G, p.Asn803Asp (NM_001322006.2); c.2245A>G, p.Asn749Asp (NM_001322007.2, NM_001322008.2); c.2191A>G, p.Asn731Asp (NM_001322009.2); c.2002A>G, p.Asn668Asp (NM_001322010.2); c.1630A>G, p.Asn544Asp (NM_001322011.2, NM_001322012.2); c.1990A>G, p.Asn664Asp (NM_001322013.2); c.2596A>G, p.Asn866Asp (NM_001322014.2); and 1 more; short protein forms N855D, N668D, N752D, N803D, N720D, N866D, N749D, N544D.
Identifiers: ClinVar variation 418619 (VCV000418619.4), dbSNP rs1064793328, ClinGen allele CA16618483.

ClinVar aggregate classification (germline): Uncertain significance (1 of 4 stars; one submission).

Submission:

GeneDx
Classification: Uncertain significance. Last evaluated: 2022-07-27. Review status: criteria provided, single submitter. Criteria: GeneDx Variant Classification Process June 2021. Collection method: clinical testing. Allele origin: germline. Affected: yes.
Comment: Not observed at significant frequency in large population cohorts (gnomAD); In silico analysis supports that this missense variant has a deleterious effect on protein structure/function; Has not been previously published as pathogenic or benign to our knowledge